The following is an entry in ClinVar:

NM_004281.4(BAG3):c.1543C>T (p.Leu515Phe)

Gene: BAG3 (BAG cochaperone 3; plus strand). Cytogenetic location: 10q26.11.
Variant type: single nucleotide variant.
Coding change: c.1543C>T on transcript NM_004281.4 (MANE Select); coding-DNA position 1543, C replaced by T.
Protein change: p.Leu515Phe; replaces leucine 515 with phenylalanine.
Molecular consequence: missense variant.
Genome position (GRCh38, 1-based): chr10:119,677,097, C>T. VCF-style: chr10-119677097-C-T. GRCh37 (hg19) VCF-style: chr10-121436609-C-T.
Other names: short protein forms L515F.
Identifiers: ClinVar variation 1774889 (VCV001774889.9), dbSNP rs2494024470, ClinGen allele CA378297554.

ClinVar aggregate classification (germline): Conflicting classifications of pathogenicity. Review status: criteria provided, conflicting classifications (1 of 4 stars). 3 submissions from 3 submitters: Uncertain significance (2); Likely benign (1). Last evaluated 2025-02-10.

Conditions:
Dilated cardiomyopathy 1HH (CMD1HH). Identifiers: Orphanet 154, MedGen C3151293, MONDO:0013479, OMIM 613881.
Myofibrillar myopathy 6. Identifiers: Orphanet 199340, MedGen C2751831, MONDO:0013061, OMIM 612954.
Cardiovascular phenotype. Identifiers: MedGen CN230736.

Allele frequency attached by ClinVar (database versions not stated): gnomAD exomes below 0.00001.

Submissions (3):

Women's Health and Genetics/Laboratory Corporation of America, LabCorp
Classification: Uncertain significance. Last evaluated: 2025-02-10. Review status: criteria provided, single submitter. Criteria: LabCorp Variant Classification Summary - May 2015. Collection method: clinical testing. Allele origin: germline.

Ambry Genetics
Classification: Likely benign for Cardiovascular phenotype. Last evaluated: 2024-08-07. Review status: criteria provided, single submitter. Criteria: Ambry Variant Classification Scheme 2023. Collection method: clinical testing. Allele origin: germline.

Labcorp Genetics (formerly Invitae), Labcorp
Classification: Uncertain significance for Dilated cardiomyopathy 1HH; Myofibrillar myopathy 6. Last evaluated: 2022-06-07. Review status: criteria provided, single submitter. Criteria: Invitae Variant Classification Sherloc (09022015). Collection method: clinical testing. Allele origin: germline.
Comment: In summary, the available evidence is currently insufficient to determine the role of this variant in disease. Therefore, it has been classified as a Variant of Uncertain Significance. This sequence change replaces leucine, which is neutral and non-polar, with phenylalanine, which is neutral and non-polar, at codon 515 of the BAG3 protein (p.Leu515Phe). This variant is not present in population databases (gnomAD no frequency). This variant has not been reported in the literature in individuals affected with BAG3-related conditions. Algorithms developed to predict the effect of missense changes on protein structure and function are either unavailable or do not agree on the potential impact of this missense change (SIFT: "Tolerated"; PolyPhen-2: "Not Available"; Align-GVGD: "Class C0").